The following is an entry in ClinVar:

NM_001370259.2(MEN1):c.597C>G (p.His199Gln)

Gene: MEN1 (menin 1; minus strand). Cytogenetic location: 11q13.1.
Variant type: single nucleotide variant.
Coding change: c.597C>G on transcript NM_001370259.2 (MANE Select); coding-DNA position 597, C replaced by G.
Protein change: p.His199Gln; replaces histidine 199 with glutamine.
Molecular consequence: missense variant. On other transcripts: non-coding transcript variant (4), intron variant (5).
Genome position (GRCh38, 1-based): chr11:64,807,948, G>C on the plus strand (C>G on the coding strand, the complement: MEN1 is on the minus strand). VCF-style: chr11-64807948-G-C. GRCh37 (hg19) VCF-style: chr11-64575420-G-C.
Other names: c.612C>G, p.His204Gln (NM_000244.4, NM_001407145.1, NM_001407150.1 and 5 more transcripts); c.597C>G, p.His199Gln (NM_001370251.2, NM_001370260.2, NM_001370261.2 and 7 more transcripts); c.549+48C>G (NM_001407148.1, NM_001407149.1, NM_001407151.1 and 2 more transcripts); short protein forms H199Q, H204Q.
Identifiers: ClinVar variation 4526153 (VCV004526153.1).

ClinVar aggregate classification (germline): Uncertain significance (1 of 4 stars; one submission).

Submission:

Women's Health and Genetics/Laboratory Corporation of America, LabCorp
Classification: Uncertain significance. Last evaluated: 2025-07-31. Review status: criteria provided, single submitter. Criteria: LabCorp Variant Classification Summary - May 2015. Collection method: clinical testing. Allele origin: germline.
Comment: Variant summary: MEN1 c.597C>G (p.His199Gln) results in a non-conservative amino acid change in the encoded protein sequence. Algorithms developed to predict the effect of missense changes on protein structure and function all suggest that this variant is likely to be disruptive. The variant was absent in 251366 control chromosomes. The available data on variant occurrences in the general population are insufficient to allow any conclusion about variant significance. To our knowledge, no occurrence of c.597C>G in individuals affected with Multiple Endocrine Neoplasia Type 1 and no experimental evidence demonstrating its impact on protein function have been reported. No submitters have cited clinical-significance assessments for this variant to ClinVar. Based on the evidence outlined above, the variant was classified as uncertain significance.